The following is an entry in ClinVar:

ClinVar aggregate classification (germline): Conflicting classifications of pathogenicity. Review status: criteria provided, conflicting classifications (1 of 4 stars). 4 submissions from 4 submitters: Likely pathogenic (3); Uncertain significance (1). Last evaluated 2025-11-06.

Conditions:
COL11A2-related disorder. Also called: COL11A2-related condition; COL11A2-related disorders.

Allele frequency attached by ClinVar (database versions not stated): ExAC 0.00001; gnomAD 0.00001; gnomAD exomes 0.00002; TOPMed 0.00002.
gnomAD v4.1: 6 of 1,367,102 alleles (0.00044%); highest among the groups gnomAD compares: East Asian, 0.0045%; no homozygotes.

Submissions (4):

PreventionGenetics, part of Exact Sciences
Classification: Uncertain significance for COL11A2-related condition. Last evaluated: 2025-11-06. Review status: criteria provided, single submitter. Criteria: ACMG Guidelines, 2015. Collection method: clinical testing. Allele origin: germline.
Comment: The COL11A2 c.1119+1G>A variant is predicted to disrupt the GT donor site and interfere with normal splicing. To our knowledge, this variant has not been reported in the literature. Variants that disrupt the consensus splice donor site in COL11A2 are expected to be pathogenic. To our knowledge, however, no splice variants around the exon that c.1119+1G>A is next to have been reported in the literature and the c.1119+1G>A variant could result in an in-frame amino acid deletion at the protein level. This variant is reported in 0.010% of alleles in individuals of East Asian descent in gnomAD. Although we suspect that this variant may be pathogenic, at this time, the clinical significance of this variant is uncertain due to the absence of conclusive functional and genetic evidence.

Labcorp Genetics (formerly Invitae), Labcorp
Classification: Likely pathogenic. Last evaluated: 2023-11-28. Review status: criteria provided, single submitter. Criteria: Invitae Variant Classification Sherloc (09022015). Collection method: clinical testing. Allele origin: germline.
Comment: This sequence change affects a donor splice site in intron 8 of the COL11A2 gene. It is expected to disrupt RNA splicing. Variants that disrupt the donor or acceptor splice site typically lead to a loss of protein function (PMID: 16199547), and loss-of-function variants in COL11A2 are known to be pathogenic (PMID: 10677296, 21204229). This variant is present in population databases (rs367706373, gnomAD 0.005%). This variant has not been reported in the literature in individuals affected with COL11A2-related conditions. ClinVar contains an entry for this variant (Variation ID: 1510558). Algorithms developed to predict the effect of sequence changes on RNA splicing suggest that this variant may disrupt the consensus splice site. In summary, the currently available evidence indicates that the variant is pathogenic, but additional data are needed to prove that conclusively. Therefore, this variant has been classified as Likely Pathogenic.

Laboratorio de Genetica e Diagnostico Molecular, Hospital Israelita Albert Einstein
Classification: Likely pathogenic. Last evaluated: 2020-02-19. Review status: criteria provided, single submitter. Criteria: ACMG Guidelines, 2015. Collection method: clinical testing. Allele origin: germline. Affected: yes.
Comment: ACMG classification criteria: PVS1, PM2

Blueprint Genetics
Classification: Likely pathogenic for COL11A2-related disorders. Last evaluated: 2019-08-03. Review status: criteria provided, single submitter. Criteria: ACMG Guidelines, 2015. Collection method: clinical testing. Allele origin: germline. Affected: yes. Observed: 1 variant allele.

Literature cited by the submitters: PubMed 16199547 (cited by Labcorp Genetics (formerly Invitae), Labcorp); PubMed 10677296 (cited by Labcorp Genetics (formerly Invitae), Labcorp); PubMed 21204229 (cited by Labcorp Genetics (formerly Invitae), Labcorp).

NM_080680.3(COL11A2):c.1119+1G>A

Gene: COL11A2 (collagen type XI alpha 2 chain; minus strand). Cytogenetic location: 6p21.32.
Variant type: single nucleotide variant.
Coding change: c.1119+1G>A on transcript NM_080680.3 (MANE Select); the canonical splice donor site of the intron after coding-DNA position 1119, G replaced by A.
Molecular consequence: splice donor variant. On other transcripts: intron variant (2).
Genome position (GRCh38, 1-based): chr6:33,184,144, C>T on the plus strand (G>A on the coding strand, the complement: COL11A2 is on the minus strand). VCF-style: chr6-33184144-C-T. GRCh37 (hg19) VCF-style: chr6-33151921-C-T.
Other names: c.798+2483G>A (NM_080679.3); c.861+848G>A (NM_080681.3); c.1119+1G>A (NM_080680.2).
Identifiers: ClinVar variation 1510558 (VCV001510558.10), dbSNP rs367706373, ClinGen allele CA3751475.
Genomic context (GRCh38, chr6:33,184,144, plus strand): 5'-GAAGCAATTCTTGTAGCTCCCACTGGTAGTCAAGAATGAAAGAGAAGCTCCTTTCACTTA[C>T]GGCTCCTGAGTGGGCTGTCTCCGCAGAGAGGGCAGGGCCAAGCTCTGTCTCCTCACGATA-3'